The following is an entry in ClinVar:

ClinVar aggregate classification (germline): Uncertain significance (1 of 4 stars; one submission).

Conditions:
Intellectual developmental disorder, autosomal dominant 1. Also called: MBD5 Haploinsufficiency; Intellectual disability, autosomal dominant 1. Identifiers: Orphanet 228402, MedGen C1969562, MONDO:0007974, OMIM 156200.

Submission:

Labcorp Genetics (formerly Invitae), Labcorp
Classification: Uncertain significance for Intellectual developmental disorder, autosomal dominant 1. Last evaluated: 2023-03-12. Review status: criteria provided, single submitter. Criteria: Invitae Variant Classification Sherloc (09022015). Collection method: clinical testing. Allele origin: germline.
Comment: In summary, the available evidence is currently insufficient to determine the role of this variant in disease. Therefore, it has been classified as a Variant of Uncertain Significance. Experimental studies and prediction algorithms are not available or were not evaluated, and the functional significance of this variant is currently unknown. This variant has not been reported in the literature in individuals affected with MBD5-related conditions. This variant is not present in population databases (gnomAD no frequency). This sequence change replaces arginine, which is basic and polar, with glycine, which is neutral and non-polar, at codon 1230 of the MBD5 protein (p.Arg1230Gly).

NM_001378120.1(MBD5):c.4387A>G (p.Arg1463Gly)

Gene: MBD5 (methyl-CpG binding domain protein 5; plus strand). Cytogenetic location: 2q23.1.
Variant type: single nucleotide variant.
Coding change: c.4387A>G on transcript NM_001378120.1 (MANE Select); coding-DNA position 4387, A replaced by G.
Protein change: p.Arg1463Gly; replaces arginine 1463 with glycine.
Molecular consequence: missense variant.
Genome position (GRCh38, 1-based): chr2:148,490,019, A>G. VCF-style: chr2-148490019-A-G. GRCh37 (hg19) VCF-style: chr2-149247588-A-G.
Other names: c.3688A>G, p.Arg1230Gly (NM_018328.5); short protein forms R1463G, R1230G.
Identifiers: ClinVar variation 2843048 (VCV002843048.3), dbSNP rs2470025922, ClinGen allele CA348729148.